The following is an entry in ClinVar:

NC_000001.11:g.12014455A>C

Gene: MFN2 (mitofusin 2; plus strand). Cytogenetic location: 1p36.22.
Variant type: single nucleotide variant.
Genome position: GRCh38 VCF-style: chr1-12014455-A-C. GRCh37 (hg19) VCF-style: chr1-12074512-A-C.
Identifiers: ClinVar variation 3778266 (VCV003778266.7).
Genomic context (GRCh38, chr1:12,014,455, plus strand): 5'-TAGGTTCCTGTTCCTGCCTTGTCCCCGCCTATCCTCGCCATCTTGTGGCTGTTTCAAGGC[A>C]GCAGCCAAAGACTTTCTCAGGTAACAAAAAAAAAATGAATCATTACCTTTTTTTTTTTTG-3'

ClinVar aggregate classification (germline): Likely benign (1 of 4 stars; one submission).

Submission:

CeGaT Center for Human Genetics Tuebingen
Classification: Likely benign. Last evaluated: 2026-01-01. Review status: criteria provided, single submitter. Criteria: CeGaT Center For Human Genetics Tuebingen Variant Classification Criteria Version 2. Collection method: clinical testing. Allele origin: germline. Affected: yes. Observed: 3 variant alleles.
Comment: MFN2: BP4, BP7